The following is an entry in ClinVar:

NM_004341.5(CAD):c.2748C>T (p.Tyr916=)

Genes: CAD (carbamoyl-phosphate synthetase 2, aspartate transcarbamylase, and dihydroorotase; plus strand), LOC126806171 (BRD4-independent group 4 enhancer GRCh37_chr2:27454350-27455549; plus strand). Cytogenetic location: 2p23.3.
Variant type: single nucleotide variant.
Coding change: c.2748C>T on transcript NM_004341.5 (MANE Select); coding-DNA position 2748, C replaced by T.
Protein change: p.Tyr916=; no amino-acid change (tyrosine 916 retained).
Molecular consequence: synonymous variant.
Genome position (GRCh38, 1-based): chr2:27,232,550, C>T. VCF-style: chr2-27232550-C-T. GRCh37 (hg19) VCF-style: chr2-27455418-C-T.
Other names: c.2559C>T, p.Tyr853= (NM_001306079.2).
Identifiers: ClinVar variation 791084 (VCV000791084.42), dbSNP rs140011289, ClinGen allele CA1573096.

ClinVar aggregate classification (germline): Benign. Review status: criteria provided, multiple submitters, no conflicts (2 of 4 stars). 4 submissions from 4 submitters: Benign (3). 1 of the submissions does not count toward it. Last evaluated 2026-08-01.

Conditions:
CAD-related disorder. Also called: CAD-related condition.

Allele frequency attached by ClinVar (database versions not stated): 1000 Genomes Project 0.00319; 1000 Genomes Project 30x 0.00328; TOPMed 0.00665; ESP Exome Variant Server 0.00761; ExAC 0.00818; gnomAD 0.00848 and 0.00864; gnomAD exomes 0.00878 and 0.00960.
gnomAD v4.1: 15,236 of 1,614,152 alleles (0.94%); highest among the groups gnomAD compares: Non-Finnish European, 1%; 116 homozygotes.

Submissions (4):

CeGaT Center for Human Genetics Tuebingen
Classification: Benign. Last evaluated: 2026-08-01. Review status: criteria provided, single submitter. Criteria: CeGaT Center For Human Genetics Tuebingen Variant Classification Criteria Version 2. Collection method: clinical testing. Allele origin: germline. Affected: yes. Observed: 62 variant alleles.
Comment: CAD: BP4, BP7, BS1, BS2

Labcorp Genetics (formerly Invitae), Labcorp
Classification: Benign. Last evaluated: 2026-02-04. Review status: criteria provided, single submitter. Criteria: Invitae Variant Classification Sherloc (09022015). Collection method: clinical testing. Allele origin: germline.

Breakthrough Genomics
Classification: Benign. Review status: criteria provided, single submitter. Criteria: ACMG Guidelines, 2015. Collection method: not provided. Allele origin: germline. Inheritance: Autosomal recessive inheritance. Affected: yes.

PreventionGenetics, part of Exact Sciences
Classification: Benign for CAD-related condition. Last evaluated: 2024-04-10. Review status: no assertion criteria provided. Collection method: clinical testing. Allele origin: germline. Not counted in ClinVar's aggregate classification.
Comment: This variant is classified as benign based on ACMG/AMP sequence variant interpretation guidelines (Richards et al. 2015 PMID: 25741868, with internal and published modifications).